The following is an entry in ClinVar:

ClinVar aggregate classification (germline): Conflicting classifications of pathogenicity. Review status: criteria provided, conflicting classifications (1 of 4 stars). 13 submissions from 13 submitters: Pathogenic (1); Likely pathogenic (2); Uncertain significance (8). 2 of the submissions do not count toward it. Last evaluated 2025-08-11.

Conditions:
Cardiomyopathy (CMYO). Also called: Cardiomyopathies. Identifiers: Orphanet 167848, MedGen C0878544, MONDO:0004994, HP:0001638. Inheritance: Various modes of inheritance.
Primary familial hypertrophic cardiomyopathy (HCM). Identifiers: Orphanet 99739, MedGen C0949658, MeSH D024741, MONDO:0024573. Inheritance: Various modes of inheritance.
Cardiovascular phenotype. Identifiers: MedGen CN230736.
Dilated cardiomyopathy 1D. Identifiers: Orphanet 154, Orphanet 54260, MedGen C1832243, MONDO:0011095, OMIM 601494.
Hypertrophic cardiomyopathy 2. Also called: TNNT2-Related Familial Hypertrophic Cardiomyopathy. Identifiers: MedGen C1861864, MONDO:0007266, OMIM 115195.
Cardiomyopathy, familial restrictive, 3. Identifiers: Orphanet 75249, MedGen C2676271, MONDO:0012900, OMIM 612422.
Hypertrophic cardiomyopathy. Also called: HYPERTROPHIC MYOCARDIOPATHY. Identifiers: Orphanet 217569, MedGen C0007194, MeSH D002312, MONDO:0005045, HP:0001639.

Allele frequency attached by ClinVar (database versions not stated): ExAC 0.00001; gnomAD 0.00002; gnomAD exomes 0.00002 and 0.00003; TOPMed 0.00002.
gnomAD v4.1: 43 of 1,614,048 alleles (0.0027%); highest among the groups gnomAD compares: Non-Finnish European, 0.0033%; no homozygotes.

Submissions 1 to 5 of 13:

Labcorp Genetics (formerly Invitae), Labcorp
Classification: Pathogenic for Cardiomyopathy, familial restrictive, 3; Hypertrophic cardiomyopathy 2; Dilated cardiomyopathy 1D. Last evaluated: 2025-08-11. Review status: criteria provided, single submitter. Criteria: Invitae Variant Classification Sherloc (09022015). Collection method: clinical testing. Allele origin: germline.
Comment: This sequence change replaces alanine, which is neutral and non-polar, with valine, which is neutral and non-polar, at codon 104 of the TNNT2 protein (p.Ala104Val). This variant is present in population databases (rs727504245, gnomAD 0.006%). This missense change has been observed in individuals with hypertrophic cardiomyopathy (PMID: 9140840, 23396983, 27532257, 28790153, 31737537, 33297573; internal data). This variant is also known as Ala114Val. ClinVar contains an entry for this variant (Variation ID: 177633). Invitae Evidence Modeling of protein sequence and biophysical properties (such as structural, functional, and spatial information, amino acid conservation, physicochemical variation, residue mobility, and thermodynamic stability) indicates that this missense variant is not expected to disrupt TNNT2 protein function with a negative predictive value of 80%. Experimental studies are conflicting or provide insufficient evidence to determine the effect of this variant on TNNT2 function (PMID: 11606294, 14722098, 33025817). This variant disrupts the p.Ala104 amino acid residue in TNNT2. Other variant(s) that disrupt this residue have been determined to be pathogenic (internal data). This suggests that this residue is clinically significant, and that variants that disrupt this residue are likely to be disease-causing. For these reasons, this variant has been classified as Pathogenic.

Ambry Genetics
Classification: Uncertain significance for Cardiovascular phenotype. Last evaluated: 2025-07-11. Review status: criteria provided, single submitter. Criteria: Ambry Variant Classification Scheme 2023. Collection method: clinical testing. Allele origin: germline.
Comment: The p.A104V variant (also known as c.311C>T), located in coding exon 8 of the TNNT2 gene, results from a C to T substitution at nucleotide position 311. The alanine at codon 104 is replaced by valine, an amino acid with similar properties. This variant has been detected in an individual with hypertrophic cardiomyopathy (HCM) and family history of HCM and sudden death; however, gene analysis may have been limited (Nakajima-Taniguchi C et al. J. Mol. Cell. Cardiol. 1997 Feb;29(2):839-43). This variant (also referred to as p.A114V) has also been detected in additional HCM cohorts or cohorts referred for HCM genetic testing; however, in several cases, clinical detail or gene analysis was limited or the variant co-occurred with pathogenic mutations in other cardiomyopathy-associated genes. In addition, some reported cases may overlap (Pasquale F et al. Circ Cardiovasc Genet. 2012 Feb;5(1):10-7; Lopes LR et al. J Med Genet. 2013 Apr;50(4):228-39; Ingles J et al. Circ Cardiovasc Genet. 2017 Apr;10(2); Walsh R et al. Genet. Med. 2017 02;19(2):192-203; Marschall C et al. Cardiovasc Diagn Ther, 2019 Oct;9:S292-S298; Micheu MM et al. Diagnostics (Basel), 2020 Dec;10(12); Gorzynski JE et al. N Engl J Med. 2022 Feb;386(7):700-702). In vitro studies indicate this variant may alter some aspects of protein function; however, the physiological relevance of the findings is unclear (Palm T et al. Biophys. J. 2001 Nov;81(5):2827-37; Harada K et al. J. Biol. Chem. 2004 Apr;279(15):14488-95). This amino acid position is poorly conserved in available vertebrate species. In addition, this alteration is predicted to be deleterious by in silico analysis. Since supporting evidence is limited at this time, the clinical significance of this alteration remains unclear.

Color Diagnostics, LLC DBA Color Health
Classification: Likely pathogenic for Cardiomyopathy. Last evaluated: 2025-06-23. Review status: criteria provided, single submitter. Criteria: ACMG Guidelines, 2015. Collection method: clinical testing. Allele origin: germline.
Comment: This missense variant replaces alanine with valine at codon 104 of the TNNT2 protein. This variant is also known as c.341C>T, p.Ala114Val based on transcript NM_000364.4. Computational prediction suggests that this variant may have a deleterious impact on protein structure and function. This variant is found within a highly conserved region of the tropomyosin binding domain. Missense variants in this region have been shown to be significantly overrepresented in individuals with affected with hypertrophic cardiomyopathy (PMID: 30696458). A functional study has shown that the mutant protein binds to tropomyosin (TPM1) normally, although it may be less effective than wild type in promoting tropomyosin binding to actin (PMID: 11606294). It has also been shown that the variant does not significantly change maximum isometric force development or Ca2+ sensitivity (PMID: 14722098). This variant has been reported in over ten individuals affected with hypertrophic cardiomyopathy (PMID: 9140840, 27532257, 28408708, 28790153, 31737537, 33297573, 37466024, 37821546, 38002985ClinVar variation ID: 177633DOI:10.13362/j.jpmed.202001002). This variant has been observed in three other individuals who also carried a pathogenic variant in the MYH7 or MYBPC3 gene (PMID: 23396983). This variant has been identified in 4/251490 chromosomes in the general population by the Genome Aggregation Database (gnomAD). Based on the available evidence, this variant is classified as Likely Pathogenic.

All of Us Research Program, National Institutes of Health
Classification: Uncertain significance for Cardiomyopathy. Last evaluated: 2023-12-13. Review status: criteria provided, single submitter. Criteria: ACMG Guidelines, 2015. Collection method: clinical testing. Allele origin: germline. Inheritance: Autosomal dominant inheritance. Observed: 5 variant alleles, 5 heterozygotes.
Comment: This missense variant replaces alanine with valine at codon 104 in the tropomyosin binding domain 1 of the TNNT2 protein. This variant is also known as c.341C>T, p.Ala114Val based on transcript NM_000364.4. Computational prediction suggests that this variant may have a deleterious impact on protein structure and function (internally defined REVEL score threshold >= 0.7, PMID: 27666373). A functional study has shown that the mutant protein binds to tropomyosin (TPM1) normally, although it may be less effective than wild type in promoting tropomyosin binding to actin (PMID: 11606294). It has also been shown that the variant does not significantly change maximum isometric force development or Ca2+ sensitivity (PMID: 14722098). This variant has been reported in individuals affected with hypertrophic cardiomyopathy (PMID: 9140840, 23396983, 28408708, 27532257, 28790153, 33297573; DOI:10.13362/j.jpmed.202001002; communication with an external laboratory; ClinVar SCV000541918.9) and in an individual suspected to be affected with hypertrophic cardiomyopathy (PMID: 31737537). However, three of these individuals also carried a pathogenic variant in the MYH7 or MYBPC3 gene (PMID: 23396983), suggesting that this TNNT2 variant may not have been the primary cause of disease in these individuals. This variant has been identified in 4/251490 chromosomes in the general population by the Genome Aggregation Database (gnomAD). Although there is a suspicion that this variant may be associated with disease, additional studies are necessary to determine the role of this variant in disease conclusively. Therefore, this variant is classified as a Variant of Uncertain Significance.

This study involves interpretation of variants in research participants for the purpose of population health screening. Participant phenotype was not available at the time of variant classification. Additional details can be found in publication PMID: 35346344, PMCID: PMC8962531

Blueprint Genetics
Classification: Uncertain significance. Last evaluated: 2023-08-03. Review status: criteria provided, single submitter. Criteria: ACMG Guidelines, 2015. Collection method: clinical testing. Allele origin: germline.

NM_001276345.2(TNNT2):c.341C>T (p.Ala114Val)

Gene: TNNT2 (troponin T2, cardiac type; minus strand). Cytogenetic location: 1q32.1.
Variant type: single nucleotide variant.
Coding change: c.341C>T on transcript NM_001276345.2 (MANE Select); coding-DNA position 341, C replaced by T.
Protein change: p.Ala114Val; replaces alanine 114 with valine.
Molecular consequence: missense variant. On other transcripts: intron variant (1).
Genome position (GRCh38, 1-based): chr1:201,365,261, G>A on the plus strand (C>T on the coding strand, the complement: TNNT2 is on the minus strand). VCF-style: chr1-201365261-G-A. GRCh37 (hg19) VCF-style: chr1-201334389-G-A.
Other names: c.341C>T, p.Ala114Val (NM_000364.4); c.311C>T, p.Ala104Val (NM_001001430.3, NM_001001431.3, NM_001276347.2); c.296C>T, p.Ala99Val (NM_001001432.3); c.291+349C>T (NM_001276346.2); short protein forms A104V, A114V, A99V.
Identifiers: ClinVar variation 177633 (VCV000177633.61), dbSNP rs727504245, ClinGen allele CA004337.